The following is an entry in ClinVar:

NM_080911.3(UNG):c.631C>A (p.Leu211Ile)

Gene: UNG (uracil DNA glycosylase; plus strand). Cytogenetic location: 12q24.11.
Variant type: single nucleotide variant.
Coding change: c.631C>A on transcript NM_080911.3 (MANE Select); coding-DNA position 631, C replaced by A.
Protein change: p.Leu211Ile; replaces leucine 211 with isoleucine.
Molecular consequence: missense variant.
Genome position (GRCh38, 1-based): chr12:109,103,441, C>A. VCF-style: chr12-109103441-C-A. GRCh37 (hg19) VCF-style: chr12-109541246-C-A.
Other names: c.604C>A, p.Leu202Ile (NM_003362.4); short protein forms L211I, L202I.
Identifiers: ClinVar variation 962229 (VCV000962229.9), dbSNP rs2042193445, ClinGen allele CA386473402.

ClinVar aggregate classification (germline): Uncertain significance (1 of 4 stars; one submission).

Conditions:
Hyper-IgM syndrome type 5 (HIGM5). Also called: Hyper-IgM Immunodeficiency Syndrome, Type 5. Identifiers: Orphanet 101092, MedGen C1720958, MONDO:0011971, OMIM 608106.

Submission:

Labcorp Genetics (formerly Invitae), Labcorp
Classification: Uncertain significance for Hyper-IgM syndrome type 5. Last evaluated: 2019-10-25. Review status: criteria provided, single submitter. Criteria: Invitae Variant Classification Sherloc (09022015). Collection method: clinical testing. Allele origin: germline.
Comment: This variant has not been reported in the literature in individuals with UNG-related conditions. This variant is not present in population databases (ExAC no frequency). This sequence change replaces leucine with isoleucine at codon 211 of the UNG protein (p.Leu211Ile). The leucine residue is highly conserved and there is a small physicochemical difference between leucine and isoleucine. Algorithms developed to predict the effect of missense changes on protein structure and function are either unavailable or do not agree on the potential impact of this missense change (SIFT: "Deleterious"; PolyPhen-2: "Probably Damaging"; Align-GVGD: "Class C0"). In summary, the available evidence is currently insufficient to determine the role of this variant in disease. Therefore, it has been classified as a Variant of Uncertain Significance.